The following is an entry in ClinVar:

ClinVar aggregate classification (germline): Likely benign (1 of 4 stars; one submission).

Submission:

CeGaT Center for Human Genetics Tuebingen
Classification: Likely benign. Last evaluated: 2023-04-01. Review status: criteria provided, single submitter. Criteria: CeGaT Center For Human Genetics Tuebingen Variant Classification Criteria Version 2. Collection method: clinical testing. Allele origin: germline. Affected: yes. Observed: 1 variant allele.
Comment: ATXN3: BS1

NM_004993.6(ATXN3):c.892CAG[9] (p.Gln305_Gly306insGln)

Genes: ATXN3 (ataxin 3; minus strand), LOC108663987 (ataxin 3 repeat instability region; plus strand). Cytogenetic location: 14q32.12.
Variant type: Microsatellite.
Coding change: c.892CAG[9] on transcript NM_004993.6 (MANE Select); nine copies in a row of the 3-base unit CAG starting at c.892; the reference has eight copies in a row; one copy, 3 bases duplicated.
Protein change: p.Gln305_Gly306insGln.
Molecular consequence: inframe insertion. On other transcripts: inframe indel (2), non-coding transcript variant (21).
Genome position (GRCh38, 1-based): chr14:92,071,011-92,071,013, CTG duplicated on the plus strand (CAG on the coding strand, the reverse complement: ATXN3 is on the minus strand); duplicating any 3 consecutive bases within chr14:92,071,011-92,071,034 gives the same sequence; the position shown is the placement nearest the transcript's 3' end. VCF-style (leftmost placement, unchanged base first): chr14-92071010-C-CCTG. GRCh37 (hg19) VCF-style: chr14-92537354-C-CCTG.
Other names: c.847CAG[9], p.Gln290_Gly291insGln (NM_001127696.2); c.739CAG[9], p.Gln254_Gly255insGln (NM_001127697.3); c.209CAG[9], p.Ala77_Gly78insAla (NM_001164774.2); c.169_171CAG[9], p.Gln64_Gly65insGln (NM_001164775.1); c.254CAG[9], p.Ala92_Gly93insAla (NM_001164776.2); c.89CAG[9], p.Ala37_Gly38insAla (NM_001164777.2); c.407CAG[9], p.Ala143_Gly144insAla (NM_001164778.2); c.529CAG[9], p.Gln184_Gly185insGln (NM_001164779.2); and 5 more.
Identifiers: ClinVar variation 2644468 (VCV002644468.24), dbSNP rs193922928, ClinGen allele CA709937698.